The following is an entry in ClinVar:

NM_006361.6(HOXB13):c.245A>C (p.Tyr82Ser)

Gene: HOXB13 (homeobox B13; minus strand). Cytogenetic location: 17q21.32.
Variant type: single nucleotide variant.
Coding change: c.245A>C on transcript NM_006361.6 (MANE Select); coding-DNA position 245, A replaced by C.
Protein change: p.Tyr82Ser; replaces tyrosine 82 with serine.
Molecular consequence: missense variant.
Genome position (GRCh38, 1-based): chr17:48,728,349, T>G on the plus strand (A>C on the coding strand, the complement: HOXB13 is on the minus strand). VCF-style: chr17-48728349-T-G. GRCh37 (hg19) VCF-style: chr17-46805711-T-G.
Other names: short protein forms Y82S.
Identifiers: ClinVar variation 821313 (VCV000821313.13), dbSNP rs1597934682, ClinGen allele CA400107851.

ClinVar aggregate classification (germline): Uncertain significance. Review status: criteria provided, multiple submitters, no conflicts (2 of 4 stars). 2 submissions from 2 submitters: Uncertain significance (2). Last evaluated 2024-09-06.

Conditions:
Hereditary cancer-predisposing syndrome. Also called: Neoplastic Syndromes, Hereditary; Tumor predisposition; Hereditary Cancer Syndrome; Hereditary neoplastic syndrome. Identifiers: Orphanet 140162, MedGen C0027672, MeSH D009386, MONDO:0015356.

Allele frequency attached by ClinVar (database versions not stated): gnomAD exomes 0.00001.

Submissions (2):

Ambry Genetics
Classification: Uncertain significance for Hereditary cancer-predisposing syndrome. Last evaluated: 2024-09-06. Review status: criteria provided, single submitter. Criteria: Ambry Variant Classification Scheme 2023. Collection method: clinical testing. Allele origin: germline.
Comment: The p.Y82S variant (also known as c.245A>C), located in coding exon 1 of the HOXB13 gene, results from an A to C substitution at nucleotide position 245. The tyrosine at codon 82 is replaced by serine, an amino acid with dissimilar properties. This amino acid position is highly conserved in available vertebrate species. In addition, this alteration is predicted to be deleterious by in silico analysis. Based on the available evidence, the clinical significance of this variant remains unclear.

Labcorp Genetics (formerly Invitae), Labcorp
Classification: Uncertain significance. Last evaluated: 2024-04-29. Review status: criteria provided, single submitter. Criteria: Invitae Variant Classification Sherloc (09022015). Collection method: clinical testing. Allele origin: germline.
Comment: This sequence change replaces tyrosine, which is neutral and polar, with serine, which is neutral and polar, at codon 82 of the HOXB13 protein (p.Tyr82Ser). This variant is not present in population databases (gnomAD no frequency). This variant has not been reported in the literature in individuals affected with HOXB13-related conditions. ClinVar contains an entry for this variant (Variation ID: 821313). Advanced modeling of protein sequence and biophysical properties (such as structural, functional, and spatial information, amino acid conservation, physicochemical variation, residue mobility, and thermodynamic stability) performed at Invitae indicates that this missense variant is not expected to disrupt HOXB13 protein function with a negative predictive value of 80%. In summary, the available evidence is currently insufficient to determine the role of this variant in disease. Therefore, it has been classified as a Variant of Uncertain Significance.